The following is an entry in ClinVar:

NM_001127392.3(MYRF):c.492_493del (p.Glu164fs)

Gene: MYRF (myelin regulatory factor; plus strand). Cytogenetic location: 11q12.2.
Variant type: Microsatellite.
Coding change: c.492_493del on transcript NM_001127392.3 (MANE Select); coding-DNA positions 492 to 493, 2 bases deleted (GA; older notation c.492_493delGA).
Protein change: p.Glu164fs; shifts the reading frame from glutamic acid 164.
Molecular consequence: frameshift variant.
Genome position (GRCh38, 1-based): chr11:61,770,277-61,770,278, GA deleted; deleting any 2 consecutive bases within chr11:61,770,275-61,770,278 gives the same sequence; the c. name uses the placement nearest the transcript's 3' end. VCF-style (leftmost placement, unchanged base first): chr11-61770274-TGA-T. GRCh37 (hg19) VCF-style: chr11-61537746-TGA-T.
Other names: c.465_466del, p.Glu155fs (NM_013279.4); short protein forms E155fs, E164fs.
Identifiers: ClinVar variation 2633042 (VCV002633042.1), dbSNP rs2540892544, ClinGen allele CA2695201137.

ClinVar aggregate classification (germline): Pathogenic (1 of 4 stars; one submission).

Conditions:
MYRF-related disorder. Also called: MYRF-related condition; MYRF-related disorders.

Submission:

PreventionGenetics, part of Exact Sciences
Classification: Pathogenic for MYRF-related condition. Last evaluated: 2023-05-17. Review status: criteria provided, single submitter. Criteria: ACMG Guidelines, 2015. Collection method: clinical testing. Allele origin: germline.
Comment: The MYRF c.492_493delGA variant is predicted to result in a frameshift and premature protein termination (p.Glu164Aspfs*63). To our knowledge, this variant has not been reported in the literature or in a large population database, indicating this variant is rare. Frameshift variants in MYRF are expected to be pathogenic. This variant is interpreted as pathogenic.